The following is an entry in ClinVar:

ClinVar aggregate classification (germline): Likely benign (0 of 4 stars; one submission).

Conditions:
DHX16-related disorder. Also called: DHX16-related condition.

Allele frequency attached by ClinVar (database versions not stated): gnomAD exomes 0.00016; ExAC 0.00055; gnomAD 0.00197; TOPMed 0.00215; 1000 Genomes Project 30x 0.00234; ESP Exome Variant Server 0.00261; 1000 Genomes Project 0.00300.
gnomAD v4.1: 558 of 1,611,814 alleles (0.035%); highest among the groups gnomAD compares: African/African-American, 0.6%; 2 homozygotes.

Submission:

PreventionGenetics, part of Exact Sciences
Classification: Likely benign for DHX16-related condition. Last evaluated: 2019-11-21. Review status: no assertion criteria provided. Collection method: clinical testing. Allele origin: germline.
Comment: This variant is classified as likely benign based on ACMG/AMP sequence variant interpretation guidelines (Richards et al. 2015 PMID: 25741868, with internal and published modifications).

NM_003587.5(DHX16):c.2149-4C>A

Gene: DHX16 (DEAH-box helicase 16; minus strand). Cytogenetic location: 6p21.33.
Variant type: single nucleotide variant.
Coding change: c.2149-4C>A on transcript NM_003587.5 (MANE Select); 4 bases into the intron before coding-DNA position 2149, C replaced by A.
Molecular consequence: intron variant.
Genome position (GRCh38, 1-based): chr6:30,656,763, G>T on the plus strand (C>A on the coding strand, the complement: DHX16 is on the minus strand). VCF-style: chr6-30656763-G-T. GRCh37 (hg19) VCF-style: chr6-30624540-G-T.
Other names: c.1969-4C>A (NM_001164239.2); c.706-4C>A (NM_001363515.2).
Identifiers: ClinVar variation 3046221 (VCV003046221.2), dbSNP rs151309714, ClinGen allele CA3701020.